The following is an entry in ClinVar:

ClinVar aggregate classification (germline): Pathogenic (1 of 4 stars; one submission).

Submission:

GeneDx
Classification: Pathogenic. Last evaluated: 2023-09-08. Review status: criteria provided, single submitter. Criteria: GeneDx Variant Classification Process June 2021. Collection method: clinical testing. Allele origin: germline. Affected: yes.
Comment: Initiation codon variant in a gene for which loss of function is a known mechanism of disease; Not observed in large population cohorts (gnomAD); Has not been previously published as pathogenic or benign to our knowledge

NM_001029896.2(WDR45):c.3G>T (p.Met1Ile)

Genes: WDR45 (WD repeat domain 45; minus strand), LOC126863256 (BRD4-independent group 4 enhancer GRCh37_chrX:48934848-48936047; plus strand). Cytogenetic location: Xp11.23.
Variant type: single nucleotide variant.
Coding change: c.3G>T on transcript NM_001029896.2 (MANE Select); coding-DNA position 3, G replaced by T.
Protein change: p.Met1Ile; changes the start codon (methionine 1).
Molecular consequence: missense variant, initiator codon variant.
Genome position (GRCh38, 1-based): chrX:49,078,093, C>A on the plus strand (G>T on the coding strand, the complement: WDR45 is on the minus strand). VCF-style: chrX-49078093-C-A. GRCh37 (hg19) VCF-style: chrX-48935752-C-A.
Other names: c.3G>T, p.Met1Ile (NM_007075.4); short protein forms M1I.
Identifiers: ClinVar variation 2579518 (VCV002579518.1), dbSNP rs2520267360, ClinGen allele CA412949584.